The following is an entry in ClinVar:

NM_001371279.1(REEP1):c.843C>T (p.Thr281=)

Gene: REEP1 (receptor accessory protein 1; minus strand). Cytogenetic location: 2p11.2.
Variant type: single nucleotide variant.
Coding change: c.843C>T on transcript NM_001371279.1 (MANE Select); coding-DNA position 843, C replaced by T.
Protein change: p.Thr281=; no amino-acid change (threonine 281 retained).
Molecular consequence: synonymous variant. On other transcripts: 3 prime UTR variant (3).
Genome position (GRCh38, 1-based): chr2:86,217,051, G>A on the plus strand (C>T on the coding strand, the complement: REEP1 is on the minus strand). VCF-style: chr2-86217051-G-A. GRCh37 (hg19) VCF-style: chr2-86444174-G-A.
Other names: c.*49C>T (NM_001164730.2, NM_001164731.2, NM_022912.3); c.420C>T, p.Thr140= (NM_001164732.2); c.477C>T, p.Thr159= (NM_001371280.1); c.420C>T (NM_001164732.1).
Identifiers: ClinVar variation 808784 (VCV000808784.44), dbSNP rs201177149, ClinGen allele CA1748654.

ClinVar aggregate classification (germline): Likely benign. Review status: criteria provided, multiple submitters, no conflicts (2 of 4 stars). 3 submissions from 3 submitters: Likely benign (2). 1 of the submissions does not count toward it. Last evaluated 2025-05-01.

Conditions:
REEP1-related disorder. Also called: REEP1-related condition.

Allele frequency attached by ClinVar (database versions not stated): TOPMed 0.00009; gnomAD exomes 0.00012; gnomAD 0.00013 and 0.00015; ExAC 0.00015; ESP Exome Variant Server 0.00023.
gnomAD v4.1: 238 of 1,613,792 alleles (0.015%); highest among the groups gnomAD compares: Non-Finnish European, 0.019%; no homozygotes.

Submissions (3):

CeGaT Center for Human Genetics Tuebingen
Classification: Likely benign. Last evaluated: 2025-05-01. Review status: criteria provided, single submitter. Criteria: CeGaT Center For Human Genetics Tuebingen Variant Classification Criteria Version 2. Collection method: clinical testing. Allele origin: germline. Affected: yes. Observed: 2 variant alleles.
Comment: REEP1: BP4, BP7

Blueprint Genetics
Classification: Likely benign. Last evaluated: 2024-06-25. Review status: criteria provided, single submitter. Criteria: ACMG Guidelines, 2015. Collection method: clinical testing. Allele origin: germline.

PreventionGenetics, part of Exact Sciences
Classification: Likely benign for REEP1-related condition. Last evaluated: 2019-06-05. Review status: no assertion criteria provided. Collection method: clinical testing. Allele origin: germline. Not counted in ClinVar's aggregate classification.
Comment: This variant is classified as likely benign based on ACMG/AMP sequence variant interpretation guidelines (Richards et al. 2015 PMID: 25741868, with internal and published modifications).